The following is an entry in ClinVar:

NM_144573.4(NEXN):c.1064A>G (p.Asp355Gly)

Gene: NEXN (nexilin F-actin binding protein; plus strand). Cytogenetic location: 1p31.1.
Variant type: single nucleotide variant.
Coding change: c.1064A>G on transcript NM_144573.4 (MANE Select); coding-DNA position 1064, A replaced by G.
Protein change: p.Asp355Gly; replaces aspartic acid 355 with glycine.
Molecular consequence: missense variant.
Genome position (GRCh38, 1-based): chr1:77,933,292, A>G. VCF-style: chr1-77933292-A-G. GRCh37 (hg19) VCF-style: chr1-78398977-A-G.
Other names: c.872A>G, p.Asp291Gly (NM_001172309.2); short protein forms D291G, D355G.
Identifiers: ClinVar variation 1781223 (VCV001781223.2), dbSNP rs1650457124, ClinGen allele CA340876525.

ClinVar aggregate classification (germline): Uncertain significance (1 of 4 stars; one submission).

Conditions:
Cardiovascular phenotype. Identifiers: MedGen CN230736.

Submission:

Ambry Genetics
Classification: Uncertain significance for Cardiovascular phenotype. Last evaluated: 2022-09-13. Review status: criteria provided, single submitter. Criteria: Ambry Variant Classification Scheme 2023. Collection method: clinical testing. Allele origin: germline.
Comment: The p.D355G variant (also known as c.1064A>G), located in coding exon 9 of the NEXN gene, results from an A to G substitution at nucleotide position 1064. The aspartic acid at codon 355 is replaced by glycine, an amino acid with similar properties. This amino acid position is conserved. In addition, this alteration is predicted to be tolerated by in silico analysis. Since supporting evidence is limited at this time, the clinical significance of this alteration remains unclear.